The following is an entry in ClinVar:

NM_021922.3(FANCE):c.998T>C (p.Leu333Pro)

Gene: FANCE (FA complementation group E; plus strand). Cytogenetic location: 6p21.31.
Variant type: single nucleotide variant.
Coding change: c.998T>C on transcript NM_021922.3 (MANE Select); coding-DNA position 998, T replaced by C.
Protein change: p.Leu333Pro; replaces leucine 333 with proline.
Molecular consequence: missense variant.
Genome position (GRCh38, 1-based): chr6:35,458,325, T>C. VCF-style: chr6-35458325-T-C. GRCh37 (hg19) VCF-style: chr6-35426102-T-C.
Other names: short protein forms L333P.
Identifiers: ClinVar variation 539297 (VCV000539297.6), dbSNP rs770592868, ClinGen allele CA3771577.

ClinVar aggregate classification (germline): Uncertain significance (1 of 4 stars; one submission).

Conditions:
Fanconi anemia complementation group E (FANCE). Also called: FANCE-Related Fanconi Anemia. Identifiers: Orphanet 84, MedGen C3160739, MONDO:0010953, OMIM 600901.

Allele frequency attached by ClinVar (database versions not stated): TOPMed below 0.00001; ExAC 0.00001; gnomAD 0.00001.
gnomAD v4.1: 4 of 1,613,976 alleles (0.00025%); highest among the groups gnomAD compares: Non-Finnish European, 0.00034%; no homozygotes.

Submission:

Labcorp Genetics (formerly Invitae), Labcorp
Classification: Uncertain significance for Fanconi anemia complementation group E. Last evaluated: 2022-02-07. Review status: criteria provided, single submitter. Criteria: Invitae Variant Classification Sherloc (09022015). Collection method: clinical testing. Allele origin: germline.
Comment: This sequence change replaces leucine, which is neutral and non-polar, with proline, which is neutral and non-polar, at codon 333 of the FANCE protein (p.Leu333Pro). This variant is present in population databases (rs770592868, gnomAD 0.002%). This variant has not been reported in the literature in individuals affected with FANCE-related conditions. ClinVar contains an entry for this variant (Variation ID: 539297). Algorithms developed to predict the effect of missense changes on protein structure and function (SIFT, PolyPhen-2, Align-GVGD) all suggest that this variant is likely to be disruptive. In summary, the available evidence is currently insufficient to determine the role of this variant in disease. Therefore, it has been classified as a Variant of Uncertain Significance.